The following is an entry in ClinVar:

NM_000642.3(AGL):c.3033_3036del (p.Ile1012fs)

Gene: AGL (amylo-alpha-1,6-glucosidase and 4-alpha-glucanotransferase; plus strand). Cytogenetic location: 1p21.2.
Variant type: Deletion.
Coding change: c.3033_3036del on transcript NM_000642.3 (MANE Select); coding-DNA positions 3033 to 3036, 4 bases deleted (AATT; older notation c.3033_3036delAATT).
Protein change: p.Ile1012fs; shifts the reading frame from isoleucine 1012.
Molecular consequence: frameshift variant.
Genome position (GRCh38, 1-based): chr1:99,891,689-99,891,692, AATT deleted; deleting any 4 consecutive bases within chr1:99,891,686-99,891,692 gives the same sequence; the c. name uses the placement nearest the transcript's 3' end. VCF-style (leftmost placement, unchanged base first): chr1-99891685-TATTA-T. GRCh37 (hg19) VCF-style: chr1-100357241-TATTA-T.
Other names: c.3033_3036delAATT, p.Ile1012Valfs (NM_000028.3, NM_000643.3, NM_000644.3 and 1 more transcripts); c.2985_2988delAATT, p.Ile996Valfs (NM_000646.3); c.3012_3015delAATT, p.Ile1005Valfs (NM_001425326.1); c.2832_2835delAATT, p.Ile945Valfs (NM_001425327.1); c.2829_2832delAATT, p.Ile944Valfs (NM_001425328.1); c.2694_2697delAATT, p.Ile899Valfs (NM_001425329.1); c.2655_2658delAATT, p.Ile886Valfs (NM_001425332.1); short protein forms I1012fs, I996fs.
Identifiers: ClinVar variation 2733959 (VCV002733959.3), dbSNP rs2524724626, ClinGen allele CA2586967005.
Genomic context (GRCh38, chr1:99,891,685, plus strand): 5'-CTATGTTCTTCTACCTGAAGCAGATCCCACGTTACCTTATCCCATGTTACTTTGATGCTA[TATTA>T]ATTGGTGCATATACCACTCTTCTGGATACAGCATGGAAGCAGATGTCAAGGTATATCCAA-3'

ClinVar aggregate classification (germline): Pathogenic (1 of 4 stars; one submission).

Conditions:
Glycogen storage disease type III (GSD3). Also called: Cori disease; FORBES DISEASE. Identifiers: Orphanet 366, MedGen C0017922, MONDO:0009291, OMIM 232400.

Submission:

Labcorp Genetics (formerly Invitae), Labcorp
Classification: Pathogenic for Glycogen storage disease type III. Last evaluated: 2023-05-31. Review status: criteria provided, single submitter. Criteria: Invitae Variant Classification Sherloc (09022015). Collection method: clinical testing. Allele origin: germline.
Comment: This sequence change creates a premature translational stop signal (p.Ile1012Valfs*25) in the AGL gene. It is expected to result in an absent or disrupted protein product. Loss-of-function variants in AGL are known to be pathogenic (PMID: 19299494). This variant is not present in population databases (gnomAD no frequency). For these reasons, this variant has been classified as Pathogenic. This premature translational stop signal has been observed in individual(s) with gylcogen storage disease type III (PMID: 22089644).

Literature cited by the submitters: PubMed 19299494; PubMed 22089644.